The following is an entry in ClinVar:

NM_005908.4(MANBA):c.2329_2410del (p.Ala777fs)

Gene: MANBA (mannosidase beta; minus strand). Cytogenetic location: 4q24.
Variant type: Deletion.
Coding change: c.2329_2410del on transcript NM_005908.4 (MANE Select); coding-DNA positions 2329 to 2410, 82 bases deleted.
Protein change: p.Ala777fs; shifts the reading frame from alanine 777.
Molecular consequence: frameshift variant.
Genome position (GRCh38, 1-based): chr4:102,634,793-102,634,874, 82 bases deleted. GRCh37 (hg19): chr4:103,555,951-103,556,032.
Other names: c.2329_2410del82 (NM_005908.4); short protein forms A777fs.
Identifiers: ClinVar variation 4847838 (VCV004847838.1).

ClinVar aggregate classification (germline): Pathogenic (1 of 4 stars; one submission).

Conditions:
Beta-D-mannosidosis (MANSB). Also called: MANNOSIDOSIS, BETA A, LYSOSOMAL; BETA-MANNOSIDASE DEFICIENCY; LYSOSOMAL BETA-MANNOSIDASE DEFICIENCY; Beta-Mannosidosis. Identifiers: Orphanet 118, MedGen C4048196, MONDO:0009562, OMIM 248510.

Submission:

Women's Health and Genetics/Laboratory Corporation of America, LabCorp
Classification: Pathogenic for Beta-D-mannosidosis. Last evaluated: 2026-02-13. Review status: criteria provided, single submitter. Criteria: LabCorp Variant Classification Summary - May 2015. Collection method: clinical testing. Allele origin: germline.
Comment: Variant summary: MANBA c.2329_2410del82 (p.Ala777SerfsX29) results in a premature termination codon in the last exon, predicted to cause a truncation of the encoded protein or absence of the protein, however, nonsense mediated decay is not expected to occur. The variant was absent in 251064 control chromosomes. To our knowledge, no occurrence of c.2329_2410del82 in individuals affected with MANBA-related conditions and no experimental evidence demonstrating its impact on protein function have been reported. At least one downstream variant has been classified as Pathogenic/Likely Pathogenic (c.2352_2356del, p.Thr785Leufs*27), providing evidence that the region altered by the variant is critical to protein function. No submitters have cited clinical-significance assessments for this variant to ClinVar. Based on the evidence outlined above, the variant was classified as pathogenic.